The following is an entry in ClinVar:

ClinVar aggregate classification (germline): Uncertain significance. Review status: criteria provided, multiple submitters, no conflicts (2 of 4 stars). 3 submissions from 3 submitters: Uncertain significance (2). 1 of the submissions does not count toward it. Last evaluated 2025-10-15.

Conditions:
SMAD4-related disorder. Also called: SMAD4-related condition; SMAD4-Related disorders.
Familial thoracic aortic aneurysm and aortic dissection (TAAD). Also called: Thoracic aortic aneurysms and dissections. Identifiers: Orphanet 91387, MedGen C4707243, MONDO:0019625.
Hereditary cancer-predisposing syndrome. Also called: Hereditary neoplastic syndrome; Neoplastic Syndromes, Hereditary; Hereditary Cancer Syndrome; Tumor predisposition. Identifiers: Orphanet 140162, MedGen C0027672, MeSH D009386, MONDO:0015356.
Juvenile polyposis syndrome (JPS). Identifiers: Orphanet 2929, MedGen C0345893, MONDO:0017380, OMIM 174900.

Allele frequency attached by ClinVar (database versions not stated): gnomAD exomes below 0.00001.
gnomAD v4.1: 1 of 1,614,230 alleles (0.000062%); highest among the groups gnomAD compares: Non-Finnish European, 0.000085%; no homozygotes.

Submissions (3):

Labcorp Genetics (formerly Invitae), Labcorp
Classification: Uncertain significance for Juvenile polyposis syndrome. Last evaluated: 2025-10-15. Review status: criteria provided, single submitter. Criteria: Invitae Variant Classification Sherloc (09022015). Collection method: clinical testing. Allele origin: germline.
Comment: This sequence change replaces isoleucine, which is neutral and non-polar, with valine, which is neutral and non-polar, at codon 518 of the SMAD4 protein (p.Ile518Val). This variant is not present in population databases (gnomAD no frequency). This variant has not been reported in the literature in individuals affected with SMAD4-related conditions. ClinVar contains an entry for this variant (Variation ID: 1387624). Invitae Evidence Modeling of protein sequence and biophysical properties (such as structural, functional, and spatial information, amino acid conservation, physicochemical variation, residue mobility, and thermodynamic stability) has been performed for this missense variant. However, the output from this modeling did not meet the statistical confidence thresholds required to predict the impact of this variant on SMAD4 protein function. In summary, the available evidence is currently insufficient to determine the role of this variant in disease. Therefore, it has been classified as a Variant of Uncertain Significance.

Ambry Genetics
Classification: Uncertain significance for Hereditary cancer-predisposing syndrome; Familial thoracic aortic aneurysm and aortic dissection. Last evaluated: 2025-08-09. Review status: criteria provided, single submitter. Criteria: Ambry Variant Classification Scheme 2023. Collection method: clinical testing. Allele origin: germline.
Comment: The p.I518V variant (also known as c.1552A>G), located in coding exon 11 of the SMAD4 gene, results from an A to G substitution at nucleotide position 1552. The isoleucine at codon 518 is replaced by valine, an amino acid with highly similar properties. This amino acid position is conserved. In addition, the in silico prediction for this alteration is inconclusive. Based on the available evidence, the clinical significance of this variant remains unclear.

PreventionGenetics, part of Exact Sciences
Classification: Uncertain significance for SMAD4-related condition. Last evaluated: 2024-05-02. Review status: no assertion criteria provided. Collection method: clinical testing. Allele origin: germline. Not counted in ClinVar's aggregate classification.
Comment: The SMAD4 c.1552A>G variant is predicted to result in the amino acid substitution p.Ile518Val. To our knowledge, this variant has not been reported in the literature or in a large population database, indicating this variant is rare. At this time, the clinical significance of this variant is uncertain due to the absence of conclusive functional and genetic evidence.

NM_005359.6(SMAD4):c.1552A>G (p.Ile518Val)

Gene: SMAD4 (SMAD family member 4; plus strand). Cytogenetic location: 18q21.2.
Variant type: single nucleotide variant.
Coding change: c.1552A>G on transcript NM_005359.6 (MANE Select); coding-DNA position 1552, A replaced by G.
Protein change: p.Ile518Val; replaces isoleucine 518 with valine.
Molecular consequence: missense variant.
Genome position (GRCh38, 1-based): chr18:51,078,360, A>G. VCF-style: chr18-51078360-A-G. GRCh37 (hg19) VCF-style: chr18-48604730-A-G.
Other names: c.1552A>G (NM_005359.5); short protein forms I518V.
Identifiers: ClinVar variation 1387624 (VCV001387624.10), dbSNP rs2144478923, ClinGen allele CA402466016.